The following is an entry in ClinVar:

NM_001374828.1(ARID1B):c.2254_2257del (p.Ser752fs)

Gene: ARID1B (AT-rich interaction domain 1B; plus strand). Cytogenetic location: 6q25.3.
Variant type: Microsatellite.
Coding change: c.2254_2257del on transcript NM_001374828.1 (MANE Select); coding-DNA positions 2254 to 2257, 4 bases deleted (TCTG; older notation c.2254_2257delTCTG).
Protein change: p.Ser752fs; shifts the reading frame from serine 752.
Molecular consequence: frameshift variant. On other transcripts: 5 prime UTR variant (1).
Genome position (GRCh38, 1-based): chr6:157,084,668-157,084,671, TCTG deleted; deleting any 4 consecutive bases within chr6:157,084,664-157,084,671 gives the same sequence; the c. name uses the placement nearest the transcript's 3' end. VCF-style (leftmost placement, unchanged base first): chr6-157084663-ATCTG-A. GRCh37 (hg19) VCF-style: chr6-157405797-ATCTG-A.
Other names: c.2044_2047delTCTG (NM_020732.3); c.-250TCTG[1] (NM_001363725.2); c.2293_2296del, p.Ser765fs (NM_001371656.1, NM_001374820.1); c.2254_2257del, p.Ser752fs (NM_017519.3); short protein forms S752fs, S765fs.
Identifiers: ClinVar variation 3255196 (VCV003255196.1), dbSNP rs2537075380.
Genomic context (GRCh38, chr6:157,084,663, plus strand): 5'-TTTTGATGAGATATTCATCCAAACGTGTCACTCTATAAATACATCTTTTCCTTTCTTAGG[ATCTG>A]TCTGGCTCCATTGATGACCTCCCCACGGGAACGGAAGCAACTTTGAGCTCAGCAGTCAGT-3'

ClinVar aggregate classification (germline): Pathogenic (1 of 4 stars; one submission).

Conditions:
Coffin-Siris syndrome 1 (CSS1). Also called: ARID1B-Related Coffin-Siris Syndrome; Mental retardation, autosomal dominant 12. Identifiers: Orphanet 1465, MedGen C3281201, MONDO:0007617, OMIM 135900. Disease mechanism: gain of function.

Submission:

Victorian Clinical Genetics Services, Murdoch Childrens Research Institute
Classification: Pathogenic for Coffin-Siris syndrome 1. Last evaluated: 2023-07-17. Review status: criteria provided, single submitter. Criteria: ACMG Guidelines, 2015. Collection method: clinical testing. Allele origin: germline. Inheritance: Autosomal dominant inheritance. Affected: yes.
Comment: Based on the classification scheme VCGS_Germline_v1.3.4, this variant is classified as Pathogenic. Following criteria are met: 0102 - Loss of function is a known mechanism of disease in this gene and is associated with Coffin-Siris syndrome 1 (MIM#135900). (I) 0107 - This gene is associated with autosomal dominant disease. (I) 0115 - Variants in this gene are known to have variable expressivity (PMID: 33768696). (I) 0201 - Variant is predicted to cause nonsense-mediated decay (NMD) and loss of protein (premature termination codon is located at least 54 nucleotides upstream of the final exon-exon junction). (SP) 0251 - This variant is heterozygous. (I) 0301 - Variant is absent from gnomAD (both v2 and v3). (SP) 0701 - Other premature termination variants comparable to the one identified in this case have very strong previous evidence for pathogenicity. Many NMD-predicted variants in this gene have been reported as pathogenic / likely pathogenic (ClinVar, DECIPHER). (SP) 0807 - This variant has no previous evidence of pathogenicity. (I) 0905 - No published segregation evidence has been identified for this variant. (I) 1007 - No published functional evidence has been identified for this variant. (SP) Legend: (SP) - Supporting pathogenic, (I) - Information, (SB) - Supporting benign

Literature cited by the submitters: PubMed 33768696.